The following is an entry in ClinVar:

NM_002480.3(PPP1R12A):c.2693G>A (p.Gly898Asp)

Gene: PPP1R12A (protein phosphatase 1 regulatory subunit 12A; minus strand). Cytogenetic location: 12q21.2.
Variant type: single nucleotide variant.
Coding change: c.2693G>A on transcript NM_002480.3 (MANE Select); coding-DNA position 2693, G replaced by A.
Protein change: p.Gly898Asp; replaces glycine 898 with aspartic acid.
Molecular consequence: missense variant.
Genome position (GRCh38, 1-based): chr12:79,788,757, C>T on the plus strand (G>A on the coding strand, the complement: PPP1R12A is on the minus strand). VCF-style: chr12-79788757-C-T. GRCh37 (hg19) VCF-style: chr12-80182537-C-T.
Other names: c.2693G>A, p.Gly898Asp (NM_001143885.2, NM_001244990.2); c.2432G>A, p.Gly811Asp (NM_001143886.2); c.2525G>A, p.Gly842Asp (NM_001244992.1); short protein forms G842D, G811D, G898D.
Identifiers: ClinVar variation 4977897 (VCV004977897.1).
Genomic context (GRCh38, chr12:79,788,757, plus strand): 5'-TTTCTTTCTTCTAAGTAACTGTATGATCCAGAGCGACCCAGCAAGGAATCATATCGATCA[C>T]CAGCTGATGTAGAACTGGTTTCATATCTTCAAAAGATTAATTTAAATAAAAAACCTTGTT-3'
Protein context (NP_002471.1, residues 888-908): SRYETSSTSA[Gly898Asp]DRYDSLLGRS

ClinVar aggregate classification (germline): Uncertain significance (1 of 4 stars; one submission).

Conditions:
PPP1R12A-related disorder. Also called: PPP1R12A-related condition.

gnomAD v4.1: 6 of 1,610,956 alleles (0.00037%); highest among the groups gnomAD compares: African/African-American, 0.008%; no homozygotes.

Submission:

PreventionGenetics, part of Exact Sciences
Classification: Uncertain significance for PPP1R12A-related condition. Last evaluated: 2025-08-14. Review status: criteria provided, single submitter. Criteria: ACMG Guidelines, 2015. Collection method: clinical testing. Allele origin: germline.
Comment: The PPP1R12A c.2693G>A variant is predicted to result in the amino acid substitution p.Gly898Asp. To our knowledge, this variant has not been reported in the literature in association with genitourinary and/or/brain malformation syndrome. This variant is reported in 0.0084% of alleles in individuals of African descent in gnomAD. At this time, the clinical significance of this variant is uncertain due to the absence of conclusive functional and genetic evidence.